The following is an entry in ClinVar:

NM_000081.4(LYST):c.422G>A (p.Arg141Gln)

Gene: LYST (lysosomal trafficking regulator; minus strand). Cytogenetic location: 1q42.3.
Variant type: single nucleotide variant.
Coding change: c.422G>A on transcript NM_000081.4 (MANE Select); coding-DNA position 422, G replaced by A.
Protein change: p.Arg141Gln; replaces arginine 141 with glutamine.
Molecular consequence: missense variant.
Genome position (GRCh38, 1-based): chr1:235,810,396, C>T on the plus strand (G>A on the coding strand, the complement: LYST is on the minus strand). VCF-style: chr1-235810396-C-T. GRCh37 (hg19) VCF-style: chr1-235973696-C-T.
Other names: p.Arg141Gln; c.422G>A, p.Arg141Gln (NM_001301365.1); short protein forms R141Q.
Identifiers: ClinVar variation 665460 (VCV000665460.7), dbSNP rs143601402, ClinGen allele CA1467633.

ClinVar aggregate classification (germline): Uncertain significance. Review status: criteria provided, multiple submitters, no conflicts (2 of 4 stars). 2 submissions from 2 submitters: Uncertain significance (2). Last evaluated 2024-01-02.

Conditions:
Chédiak-Higashi syndrome (CHS). Also called: Chediak-Higashi Syndrome. Identifiers: Orphanet 167, MedGen C0007965, MONDO:0008963, OMIM 214500.

Allele frequency attached by ClinVar (database versions not stated): gnomAD 0.00002; gnomAD exomes 0.00002; TOPMed 0.00002; ExAC 0.00004; 1000 Genomes Project 30x 0.00016; 1000 Genomes Project 0.00020.

Submissions (2):

Mayo Clinic Laboratories, Mayo Clinic
Classification: Uncertain significance. Last evaluated: 2024-01-02. Review status: criteria provided, single submitter. Criteria: ACMG Guidelines, 2015. Collection method: clinical testing. Allele origin: germline. Observed: 1 variant allele.
Comment: BP4, PP2

Labcorp Genetics (formerly Invitae), Labcorp
Classification: Uncertain significance for Chédiak-Higashi syndrome. Last evaluated: 2022-07-21. Review status: criteria provided, single submitter. Criteria: Invitae Variant Classification Sherloc (09022015). Collection method: clinical testing. Allele origin: germline.
Comment: This sequence change replaces arginine, which is basic and polar, with glutamine, which is neutral and polar, at codon 141 of the LYST protein (p.Arg141Gln). This variant is present in population databases (rs143601402, gnomAD 0.008%). This variant has not been reported in the literature in individuals affected with LYST-related conditions. ClinVar contains an entry for this variant (Variation ID: 665460). Algorithms developed to predict the effect of missense changes on protein structure and function output the following: SIFT: "Tolerated"; PolyPhen-2: "Benign"; Align-GVGD: "Class C0". The glutamine amino acid residue is found in multiple mammalian species, which suggests that this missense change does not adversely affect protein function. In summary, the available evidence is currently insufficient to determine the role of this variant in disease. Therefore, it has been classified as a Variant of Uncertain Significance.